The following is an entry in ClinVar:

ClinVar aggregate classification (germline): Uncertain significance. Review status: criteria provided, multiple submitters, no conflicts (2 of 4 stars). 2 submissions from 2 submitters: Uncertain significance (2). Last evaluated 2021-07-13.

Conditions:
Harel-Yoon syndrome (HAYOS). Also called: Optic atrophy-peripheral neuropathy-developmental delay syndrome. Identifiers: Orphanet 496790, MedGen C4310677, MONDO:0014958, OMIM 617183.

Allele frequency attached by ClinVar (database versions not stated): gnomAD exomes below 0.00001.
gnomAD v4.1: 5 of 1,613,928 alleles (0.00031%); highest among the groups gnomAD compares: Non-Finnish European, 0.00034%; no homozygotes.

Submissions (2):

Illumina Laboratory Services, Illumina
Classification: Uncertain significance for Harel-Yoon syndrome. Last evaluated: 2021-07-13. Review status: criteria provided, single submitter. Criteria: ICSLVariantClassificationCriteria RUGD 01 April 2020. Collection method: clinical testing. Allele origin: unknown.
Comment: The ATAD3A c.1220C>T (p.Thr407Met) variant is a missense variant. A literature search was performed for the gene, cDNA change, and amino acid change. No publications were found based on this search. The variant is reported at a frequency of 0.000009 in the European (non-Finnish) population of the Genome Aggregation Database (version 2.1.1) though this is based on one allele in a region of good sequencing coverage, so the variant is presumed to be rare. Based on the limited evidence, the p.Thr407Met variant is classified as a variant of uncertain significance for the autosomal recessive form of Harel-Yoon syndrome.

Revvity Omics, Revvity
Classification: Uncertain significance. Last evaluated: 2021-04-23. Review status: criteria provided, single submitter. Criteria: ACMG Guidelines, 2015. Collection method: clinical testing. Allele origin: germline.

NM_001170535.3(ATAD3A):c.1076C>T (p.Thr359Met)

Gene: ATAD3A (ATPase family AAA domain containing 3A; plus strand). Cytogenetic location: 1p36.33.
Variant type: single nucleotide variant.
Coding change: c.1076C>T on transcript NM_001170535.3 (MANE Select); coding-DNA position 1076, C replaced by T.
Protein change: p.Thr359Met; replaces threonine 359 with methionine.
Molecular consequence: missense variant.
Genome position (GRCh38, 1-based): chr1:1,523,951, C>T. VCF-style: chr1-1523951-C-T. GRCh37 (hg19) VCF-style: chr1-1459331-C-T.
Other names: c.839C>T, p.Thr280Met (NM_001170536.3); c.1220C>T, p.Thr407Met (NM_018188.5); short protein forms T280M, T359M, T407M.
Identifiers: ClinVar variation 1328144 (VCV001328144.6), dbSNP rs1346418902, ClinGen allele CA337857810.